The following is an entry in ClinVar:

ClinVar aggregate classification (germline): Likely benign. Review status: reviewed by expert panel (3 of 4 stars). 2 submissions from 2 submitters: Likely benign (1). 1 of the submissions does not count toward it. Last evaluated 2024-09-18.

Conditions:
Hereditary thrombocytopenia and hematologic cancer predisposition syndrome. Identifiers: Orphanet 71290, MedGen CN281654, MONDO:0011071.
Hereditary thrombocytopenia and hematological cancer predisposition syndrome associated with RUNX1. Also called: Familial Platelet Disorder with Propensity to Acute Myelogenous Leukemia; Familial thrombocytopenia with propensity to acute myelogenous leukemia; PLATELET DISORDER, ASPIRIN-LIKE; RUNX1 Familial Platelet Disorder with Associated Myeloid Malignancies. Identifiers: Orphanet 71290, MedGen C1832388, MeSH C563324, MONDO:0100083, OMIM 601399.

Submissions (2):

ClinGen Myeloid Malignancy Variant Curation Expert Panel
Classification: Likely benign for Hereditary thrombocytopenia and hematologic cancer predisposition syndrome. Last evaluated: 2024-09-18. Review status: reviewed by expert panel. Criteria: ClinGen MyeloMalig ACMG Specifications v2. Collection method: curation. Allele origin: germline. Inheritance: Autosomal dominant inheritance.
Comment: NM_001754.5(RUNX1):c.508+14C>A is a variant in intron 5. Splice prediction algorithms do not predict an effect on splicing (BP4). This variant is completely absent from all population databases with at least 20x coverage for RUNX1 (PM2_supporting). The nucleotide is not highly conserved phyloP100 way=1.6 (BP7). In summary, this variant meets the criteria to be classified as likely benign for autosomal dominant hereditary thrombocytopenia and hematologic cancer predisposition syndrome based on the ACMG/AMP criteria applied, as specified by the ClinGen Myeloid Malignancy VCEP: BP7, BP4, PM2_supporting.

Labcorp Genetics (formerly Invitae), Labcorp
Classification: Likely benign for Hereditary thrombocytopenia and hematological cancer predisposition syndrome associated with RUNX1. Last evaluated: 2023-05-16. Review status: criteria provided, single submitter. Criteria: Invitae Variant Classification Sherloc (09022015). Collection method: clinical testing. Allele origin: germline. Not counted in ClinVar's aggregate classification.

NM_001754.5(RUNX1):c.508+14C>A

Genes: RUNX1 (RUNX family transcription factor 1; minus strand), RUNX1-AS1 (RUNX1 antisense RNA 1; plus strand). Cytogenetic location: 21q22.12.
Variant type: single nucleotide variant.
Coding change: c.508+14C>A on transcript NM_001754.5 (MANE Select); 14 bases into the intron after coding-DNA position 508, C replaced by A.
Molecular consequence: intron variant.
Genome position (GRCh38, 1-based): chr21:34,880,543, G>T on the plus strand (C>A on the coding strand, the complement: RUNX1 is on the minus strand). VCF-style: chr21-34880543-G-T. GRCh37 (hg19) VCF-style: chr21-36252840-G-T.
Other names: c.427+14C>A (NM_001001890.3, NM_001122607.2).
Identifiers: ClinVar variation 2199190 (VCV002199190.5), dbSNP rs2146359868, ClinGen allele CA2580098633.